The following is an entry in ClinVar:

NM_000321.3(RB1):c.987del (p.Asp330fs)

Gene: RB1 (RB transcriptional corepressor 1; plus strand). Cytogenetic location: 13q14.2.
Variant type: Deletion.
Coding change: c.987del on transcript NM_000321.3 (MANE Select); coding-DNA position 987, one base deleted (A; older notation c.987delA).
Protein change: p.Asp330fs; shifts the reading frame from aspartic acid 330.
Molecular consequence: frameshift variant.
Genome position (GRCh38, 1-based): chr13:48,367,541, A deleted; the last of 3 consecutive A bases (chr13:48,367,539-48,367,541); deleting any one gives the same sequence. VCF-style (leftmost placement, unchanged base first): chr13-48367538-TA-T. GRCh37 (hg19) VCF-style: chr13-48941674-TA-T.
Other names: c.987delA, p.Asp330Ilefs (NM_001407165.1, NM_001407166.1); short protein forms D330fs.
Identifiers: ClinVar variation 1768471 (VCV001768471.2), dbSNP rs2542188520, ClinGen allele CA2580087564.
Genomic context (GRCh38, chr13:48,367,538, plus strand): 5'-ACTTTTTTCTTTCAAGGTTGAAAATCTTTCTAAACGATACGAAGAAATTTATCTTAAAAA[TA>T]AAGATCTAGATGCAAGATTATTTTTGGATCATGATAAAACTCTTCAGACTGATTCTATAG-3'

ClinVar aggregate classification (germline): Pathogenic (1 of 4 stars; one submission).

Conditions:
Hereditary cancer-predisposing syndrome. Also called: Hereditary Cancer Syndrome; Hereditary neoplastic syndrome; Neoplastic Syndromes, Hereditary; Tumor predisposition. Identifiers: Orphanet 140162, MedGen C0027672, MeSH D009386, MONDO:0015356.

Submission:

Ambry Genetics
Classification: Pathogenic for Hereditary cancer-predisposing syndrome. Last evaluated: 2020-07-01. Review status: criteria provided, single submitter. Criteria: Ambry Variant Classification Scheme 2023. Collection method: clinical testing. Allele origin: germline.
Comment: The c.987delA pathogenic mutation, located in coding exon 10 of the RB1 gene, results from a deletion of one nucleotide at nucleotide position 987, causing a translational frameshift with a predicted alternate stop codon (p.D330Ifs*2). This alteration is expected to result in loss of function by premature protein truncation or nonsense-mediated mRNA decay. As such, this alteration is interpreted as a disease-causing mutation.